The following is an entry in ClinVar:

ClinVar aggregate classification (germline): Uncertain significance (1 of 4 stars; one submission).

Conditions:
Progressive sclerosing poliodystrophy (MTDPS4A). Also called: Mitochondrial DNA depletion syndrome 4A (Alpers type); ALPERS PROGRESSIVE INFANTILE POLIODYSTROPHY; NEURONAL DEGENERATION OF CHILDHOOD WITH LIVER DISEASE, PROGRESSIVE; Mitochondrial DNA Depletion Syndrome 4A; Alpers-Huttenlocher Syndrome (AHS); Alpers Syndrome. Identifiers: Orphanet 726, MedGen C0205710, MONDO:0008758, OMIM 203700.

Allele frequency attached by ClinVar (database versions not stated): TOPMed below 0.00001; gnomAD 0.00001.
gnomAD v4.1: 1 of 1,613,908 alleles (0.000062%); highest among the groups gnomAD compares: Non-Finnish European, 0.000085%; no homozygotes.

Submission:

Labcorp Genetics (formerly Invitae), Labcorp
Classification: Uncertain significance for Progressive sclerosing poliodystrophy. Last evaluated: 2021-11-09. Review status: criteria provided, single submitter. Criteria: Invitae Variant Classification Sherloc (09022015). Collection method: clinical testing. Allele origin: germline.
Comment: This sequence change replaces tyrosine, which is neutral and polar, with histidine, which is basic and polar, at codon 732 of the POLG protein (p.Tyr732His). This variant is not present in population databases (gnomAD no frequency). This variant has not been reported in the literature in individuals affected with POLG-related conditions. Algorithms developed to predict the effect of missense changes on protein structure and function output the following: SIFT: "Tolerated"; PolyPhen-2: "Benign"; Align-GVGD: "Class C0". The histidine amino acid residue is found in multiple mammalian species, which suggests that this missense change does not adversely affect protein function. In summary, the available evidence is currently insufficient to determine the role of this variant in disease. Therefore, it has been classified as a Variant of Uncertain Significance.

NM_002693.3(POLG):c.2194T>C (p.Tyr732His)

Gene: POLG (DNA polymerase gamma, catalytic subunit; minus strand). Cytogenetic location: 15q26.1.
Variant type: single nucleotide variant.
Coding change: c.2194T>C on transcript NM_002693.3 (MANE Select); coding-DNA position 2194, T replaced by C.
Protein change: p.Tyr732His; replaces tyrosine 732 with histidine.
Molecular consequence: missense variant.
Genome position (GRCh38, 1-based): chr15:89,323,475, A>G on the plus strand (T>C on the coding strand, the complement: POLG is on the minus strand). VCF-style: chr15-89323475-A-G. GRCh37 (hg19) VCF-style: chr15-89866706-A-G.
Other names: c.2194T>C, p.Tyr732His (NM_001126131.2); short protein forms Y732H.
Identifiers: ClinVar variation 1392286 (VCV001392286.3), dbSNP rs1470138488, ClinGen allele CA393756815.